The following is an entry in ClinVar:

NM_001365951.3(KIF1B):c.3085T>G (p.Ser1029Ala)

Gene: KIF1B (kinesin family member 1B; plus strand). Cytogenetic location: 1p36.22.
Variant type: single nucleotide variant.
Coding change: c.3085T>G on transcript NM_001365951.3 (MANE Select); coding-DNA position 3085, T replaced by G.
Protein change: p.Ser1029Ala; replaces serine 1029 with alanine.
Molecular consequence: missense variant.
Genome position (GRCh38, 1-based): chr1:10,336,698, T>G. VCF-style: chr1-10336698-T-G. GRCh37 (hg19) VCF-style: chr1-10396756-T-G.
Other names: c.3085T>G, p.Ser1029Ala (NM_001365952.1); c.2947T>G, p.Ser983Ala (NM_015074.3); short protein forms S1029A, S983A.
Identifiers: ClinVar variation 1797984 (VCV001797984.2), dbSNP rs1652194210, ClinGen allele CA338339360.

ClinVar aggregate classification (germline): Uncertain significance (1 of 4 stars; one submission).

Allele frequency attached by ClinVar (database versions not stated): gnomAD exomes below 0.00001; gnomAD 0.00001.
gnomAD v4.1: 2 of 1,614,016 alleles (0.00012%); highest among the groups gnomAD compares: Non-Finnish European, 0.00017%; no homozygotes.

Submission:

Ambry Genetics
Classification: Uncertain significance. Last evaluated: 2021-03-09. Review status: criteria provided, single submitter. Criteria: Ambry Variant Classification Scheme 2023. Collection method: clinical testing. Allele origin: germline.
Comment: The p.S983A variant (also known as c.2947T>G), located in coding exon 26 of the KIF1B gene, results from a T to G substitution at nucleotide position 2947. The serine at codon 983 is replaced by alanine, an amino acid with similar properties. This amino acid position is highly conserved in available vertebrate species. In addition, the in silico prediction for this alteration is inconclusive. Since supporting evidence is limited at this time, the clinical significance of this alteration remains unclear.